The following is an entry in ClinVar:

ClinVar aggregate classification (germline): Benign/Likely benign. Review status: criteria provided, multiple submitters, no conflicts (2 of 4 stars). 3 submissions from 3 submitters: Benign (1); Likely benign (2). Last evaluated 2026-06-18.

Conditions:
Polyps, multiple and recurrent inflammatory fibroid, gastrointestinal. Identifiers: MedGen C5193005, MONDO:0008285, OMIM 175510.
Gastrointestinal stromal tumor. Also called: Gastrointestinal stromal tumor, somatic; Gastrointestinal stroma tumor. Identifiers: Orphanet 44890, MedGen C0238198, MeSH D046152, MONDO:0011719, OMIM 606764, HP:0100723.
Hereditary cancer-predisposing syndrome. Also called: Hereditary neoplastic syndrome; Neoplastic Syndromes, Hereditary; Hereditary Cancer Syndrome; Tumor predisposition. Identifiers: Orphanet 140162, MedGen C0027672, MeSH D009386, MONDO:0015356.

Allele frequency attached by ClinVar (database versions not stated): gnomAD exomes 0.00001.
gnomAD v4.1: 9 of 1,613,956 alleles (0.00056%); highest among the groups gnomAD compares: Non-Finnish European, 0.00068%; no homozygotes.

Submissions (3):

Myriad Genetics, Inc.
Classification: Benign for Polyps, multiple and recurrent inflammatory fibroid, gastrointestinal. Last evaluated: 2026-06-18. Review status: criteria provided, single submitter. Criteria: Myriad Autosomal Dominant, Autosomal Recessive and X-Linked Classification Criteria (2023). Collection method: clinical testing. Allele origin: unknown.
Comment: This variant is considered benign. This variant is a silent/synonymous amino acid change and it is not expected to impact splicing.

Labcorp Genetics (formerly Invitae), Labcorp
Classification: Likely benign for Gastrointestinal stromal tumor. Last evaluated: 2024-04-26. Review status: criteria provided, single submitter. Criteria: Invitae Variant Classification Sherloc (09022015). Collection method: clinical testing. Allele origin: germline.

Ambry Genetics
Classification: Likely benign for Hereditary cancer-predisposing syndrome. Last evaluated: 2023-10-24. Review status: criteria provided, single submitter. Criteria: Ambry Variant Classification Scheme 2023. Collection method: clinical testing. Allele origin: germline.

NM_006206.6(PDGFRA):c.3177C>T (p.Phe1059=)

Gene: PDGFRA (platelet derived growth factor receptor alpha; plus strand). Cytogenetic location: 4q12.
Variant type: single nucleotide variant.
Coding change: c.3177C>T on transcript NM_006206.6 (MANE Select); coding-DNA position 3177, C replaced by T.
Protein change: p.Phe1059=; no amino-acid change (phenylalanine 1059 retained).
Molecular consequence: synonymous variant.
Genome position (GRCh38, 1-based): chr4:54,295,179, C>T. VCF-style: chr4-54295179-C-T. GRCh37 (hg19) VCF-style: chr4-55161346-C-T.
Other names: c.3252C>T, p.Phe1084= (NM_001347828.2); c.3177C>T, p.Phe1059= (NM_001347829.2); c.3216C>T, p.Phe1072= (NM_001347830.2).
Identifiers: ClinVar variation 528676 (VCV000528676.14), dbSNP rs995196679, ClinGen allele CA96833154.